The following is an entry in ClinVar:

ClinVar aggregate classification (germline): Uncertain significance (1 of 4 stars; one submission).

Submission:

Ambry Genetics
Classification: Uncertain significance. Last evaluated: 2026-01-12. Review status: criteria provided, single submitter. Criteria: Ambry Variant Classification Scheme 2023. Collection method: clinical testing. Allele origin: germline.
Comment: The p.E483K variant (also known as c.1447G>A), located in coding exon 1 of the MLH3 gene, results from a G to A substitution at nucleotide position 1447. The glutamic acid at codon 483 is replaced by lysine, an amino acid with similar properties. This amino acid position is conserved. In addition, this alteration is predicted to be tolerated by in silico analysis. Based on the available evidence, the clinical significance of this variant remains unclear.

NM_001040108.2(MLH3):c.1447G>A (p.Glu483Lys)

Gene: MLH3 (mutL homolog 3; minus strand). Cytogenetic location: 14q24.3.
Variant type: single nucleotide variant.
Coding change: c.1447G>A on transcript NM_001040108.2 (MANE Select); coding-DNA position 1447, G replaced by A.
Protein change: p.Glu483Lys; replaces glutamic acid 483 with lysine.
Molecular consequence: missense variant.
Genome position (GRCh38, 1-based): chr14:75,048,209, C>T on the plus strand (G>A on the coding strand, the complement: MLH3 is on the minus strand). VCF-style: chr14-75048209-C-T. GRCh37 (hg19) VCF-style: chr14-75514912-C-T.
Other names: c.1447G>A, p.Glu483Lys (NM_014381.3); short protein forms E483K.
Identifiers: ClinVar variation 4841841 (VCV004841841.1).